The following is an entry in ClinVar:

NM_017534.6(MYH2):c.3814C>T (p.Gln1272Ter)

Genes: MYHAS (myosin heavy chain gene cluster antisense RNA; plus strand), MYH2 (myosin heavy chain 2; minus strand). Cytogenetic location: 17p13.1.
Variant type: single nucleotide variant.
Coding change: c.3814C>T on transcript NM_017534.6 (MANE Select); coding-DNA position 3814, C replaced by T.
Protein change: p.Gln1272Ter; replaces glutamine 1272 with a stop codon.
Molecular consequence: nonsense.
Genome position (GRCh38, 1-based): chr17:10,527,805, G>A on the plus strand (C>T on the coding strand, the complement: MYH2 is on the minus strand). VCF-style: chr17-10527805-G-A. GRCh37 (hg19) VCF-style: chr17-10431122-G-A.
Other names: c.3814C>T, p.Gln1272Ter (NM_001100112.2); short protein forms Q1272*.
Identifiers: ClinVar variation 4805235 (VCV004805235.1).
Genomic context (GRCh38, chr17:10,527,805, plus strand): 5'-TACCAGATTCAGTCTGCAGGCGCCCCCTCTGCGCAGTCAGGTCATTGATCAGCCGCTGCT[G>A]CTCCTCTTCCTTTGATTTCAGTTCACTCAGTTGGTCCTCTAGAGTCCGGCACATTTTCTC-3'

ClinVar aggregate classification (germline): Pathogenic (1 of 4 stars; one submission).

Conditions:
Myopathy, proximal, and ophthalmoplegia (CMYO6). Also called: MYOPATHY WITH CONGENITAL JOINT CONTRACTURES, OPHTHALMOPLEGIA, AND RIMMED VACUOLES; INCLUSION BODY MYOPATHY 3, AUTOSOMAL DOMINANT; CONGENITAL MYOPATHY 6 WITH OPHTHALMOPLEGIA. Identifiers: Orphanet 363677, Orphanet 79091, MedGen C1854106, MONDO:0011577, OMIM 605637.

Submission:

Labcorp Genetics (formerly Invitae), Labcorp
Classification: Pathogenic for Myopathy, proximal, and ophthalmoplegia. Last evaluated: 2025-12-03. Review status: criteria provided, single submitter. Criteria: Invitae Variant Classification Sherloc (09022015). Collection method: clinical testing. Allele origin: germline.
Comment: This sequence change creates a premature translational stop signal (p.Gln1272*) in the MYH2 gene. It is expected to result in an absent or disrupted protein product. Loss-of-function variants in MYH2 are known to be pathogenic (PMID: 20418530, 23388406, 24193343). This variant is not present in population databases (gnomAD no frequency). This variant has not been reported in the literature in individuals affected with MYH2-related conditions. For these reasons, this variant has been classified as Pathogenic.

Literature cited by the submitters: PubMed 20418530; PubMed 23388406; PubMed 24193343.